The following is an entry in ClinVar:

NM_004006.3(DMD):c.2764T>G (p.Phe922Val)

Gene: DMD (dystrophin; minus strand). Cytogenetic location: Xp21.1.
Variant type: single nucleotide variant.
Coding change: c.2764T>G on transcript NM_004006.3 (MANE Select); coding-DNA position 2764, T replaced by G.
Protein change: p.Phe922Val; replaces phenylalanine 922 with valine.
Molecular consequence: missense variant.
Genome position (GRCh38, 1-based): chrX:32,484,958, A>C on the plus strand (T>G on the coding strand, the complement: DMD is on the minus strand). VCF-style: chrX-32484958-A-C. GRCh37 (hg19) VCF-style: chrX-32503075-A-C.
Other names: c.2740T>G, p.Phe914Val (NM_000109.4); c.2752T>G, p.Phe918Val (NM_004009.3); c.2395T>G, p.Phe799Val (NM_004010.3); short protein forms F922V, F914V, F799V, F918V.
Identifiers: ClinVar variation 526053 (VCV000526053.11), dbSNP rs185395584, ClinGen allele CA10379443.

ClinVar aggregate classification (germline): Conflicting classifications of pathogenicity. Review status: criteria provided, conflicting classifications (1 of 4 stars). 3 submissions from 3 submitters: Uncertain significance (2); Likely benign (1). Last evaluated 2025-12-24.

Conditions:
Cardiovascular phenotype. Identifiers: MedGen CN230736.
Dilated cardiomyopathy 3B (CMD3B). Also called: CMD3B: DMD-Related Dilated Cardiomyopathy; CARDIOMYOPATHY, DILATED, X-LINKED; DMD-Associated Dilated Cardiomyopathy. Identifiers: Orphanet 154, MedGen C3668940, MONDO:0010542, OMIM 302045.
Becker muscular dystrophy (BMD). Also called: Becker Muscular Dystrophy (BMD); MUSCULAR DYSTROPHY, PSEUDOHYPERTROPHIC PROGRESSIVE, BECKER TYPE. Identifiers: Orphanet 98895, MedGen C0917713, MONDO:0010311, OMIM 300376.
Duchenne muscular dystrophy (DMD). Also called: Duchenne Muscular Dystrophy (DMD); MUSCULAR DYSTROPHY, PSEUDOHYPERTROPHIC PROGRESSIVE, DUCHENNE TYPE. Identifiers: Orphanet 98896, MedGen C0013264, MONDO:0010679, OMIM 310200.

Allele frequency attached by ClinVar (database versions not stated): gnomAD 0.00001 and 0.00002; gnomAD exomes 0.00003 and 0.00004; TOPMed 0.00004; ExAC 0.00007; 1000 Genomes Project 30x 0.00021; 1000 Genomes Project 0.00026.
gnomAD v4.1: 38 of 1,209,909 alleles (0.0031%); highest among the groups gnomAD compares: Admixed American, 0.011%; no homozygotes.

Submissions (3):

Labcorp Genetics (formerly Invitae), Labcorp
Classification: Likely benign for Duchenne muscular dystrophy. Last evaluated: 2025-12-24. Review status: criteria provided, single submitter. Criteria: Invitae Variant Classification Sherloc (09022015). Collection method: clinical testing. Allele origin: germline.

Ambry Genetics
Classification: Uncertain significance for Cardiovascular phenotype. Last evaluated: 2023-06-01. Review status: criteria provided, single submitter. Criteria: Ambry Variant Classification Scheme 2023. Collection method: clinical testing. Allele origin: germline.
Comment: The p.F922V variant (also known as c.2764T>G), located in coding exon 21 of the DMD gene, results from a T to G substitution at nucleotide position 2764. The phenylalanine at codon 922 is replaced by valine, an amino acid with highly similar properties. Based on data from gnomAD, the G allele has an overall frequency of 0.0044% (9/204978) total alleles studied, with 3 hemizygote(s) observed. The highest observed frequency was 0.0179% (5/27980) of Latino alleles. This amino acid position is not well conserved in available vertebrate species. In addition, this alteration is predicted to be tolerated by in silico analysis. Since supporting evidence is limited at this time, the clinical significance of this alteration remains unclear.

Fulgent Genetics
Classification: Uncertain significance for Becker muscular dystrophy; Dilated cardiomyopathy 3B; Duchenne muscular dystrophy. Last evaluated: 2021-11-24. Review status: criteria provided, single submitter. Criteria: ACMG Guidelines, 2015. Collection method: clinical testing. Allele origin: unknown.